The following is an entry in ClinVar:

ClinVar aggregate classification (germline): Pathogenic. Review status: criteria provided, single submitter (1 of 4 stars). 3 submissions from 3 submitters: Pathogenic (1). 2 of the submissions do not count toward it. Last evaluated 2021-08-23.

Conditions:
Neurofibromatosis, type 1 (NF1). Also called: Peripheral type neurofibromatosis; Neurofibromatosis, type I; VON RECKLINGHAUSEN DISEASE; NEUROFIBROMATOSIS, TYPE I, SOMATIC. Identifiers: Orphanet 636, MedGen C0027831, MONDO:0018975, OMIM 162200. Disease mechanism: loss of function.

Submissions (3):

Labcorp Genetics (formerly Invitae), Labcorp
Classification: Pathogenic for Neurofibromatosis, type 1. Last evaluated: 2021-08-23. Review status: criteria provided, single submitter. Criteria: Invitae Variant Classification Sherloc (09022015). Collection method: clinical testing. Allele origin: germline.
Comment: For these reasons, this variant has been classified as Pathogenic. ClinVar contains an entry for this variant (Variation ID: 1048704). This variant is also known as c.693_693delT. This premature translational stop signal has been observed in individual(s) with clinical features of neurofibromatosis (PMID: 30308447). This variant is not present in population databases (ExAC no frequency). This sequence change creates a premature translational stop signal (p.Phe231Leufs*50) in the NF1 gene. It is expected to result in an absent or disrupted protein product. Loss-of-function variants in NF1 are known to be pathogenic (PMID: 10712197, 23913538).

Department of Pediatrics, Taizhou Central Hospital, Taizhou University Hospital
Classification: Pathogenic for Neurofibromatosis, type 1. Last evaluated: 2024-02-01. Review status: no assertion criteria provided. Collection method: clinical testing. Allele origin: de novo. Affected: yes. Observed: 1 variant allele. Not counted in ClinVar's aggregate classification.

Laboratory of Medical Genetics, National & Kapodistrian University of Athens
Classification: Pathogenic for Neurofibromatosis, type 1. Last evaluated: 2019-01-01. Review status: no assertion criteria provided. Collection method: clinical testing. Allele origin: germline. Affected: yes. Not counted in ClinVar's aggregate classification.

Literature cited by the submitters: PubMed 30308447 (cited by Labcorp Genetics (formerly Invitae), Labcorp); PubMed 10712197 (cited by Labcorp Genetics (formerly Invitae), Labcorp); PubMed 23913538 (cited by Labcorp Genetics (formerly Invitae), Labcorp).

NM_001042492.3(NF1):c.693del (p.Phe231fs)

Gene: NF1 (neurofibromin 1; plus strand). Cytogenetic location: 17q11.2.
Variant type: Deletion.
Coding change: c.693del on transcript NM_001042492.3 (MANE Select); coding-DNA position 693, one base deleted (T; older notation c.693delT).
Protein change: p.Phe231fs; shifts the reading frame from phenylalanine 231.
Molecular consequence: frameshift variant.
Genome position (GRCh38, 1-based): chr17:31,181,748, T deleted; the last of 3 consecutive T bases (chr17:31,181,746-31,181,748); deleting any one gives the same sequence. VCF-style (leftmost placement, unchanged base first): chr17-31181745-AT-A. GRCh37 (hg19) VCF-style: chr17-29508763-AT-A.
Other names: c.693delT (NM_001042492.3); c.693delT, p.Phe231Leufs (NM_000267.4); c.693del, p.Phe231fs (NM_001128147.3); short protein forms F231fs.
Identifiers: ClinVar variation 1048704 (VCV001048704.8), dbSNP rs2143777901, ClinGen allele CA2499223964.
Genomic context (GRCh38, chr17:31,181,745, plus strand): 5'-AAGACATGTGGTTCTTTATTTATAGGCATTTTGGAACTGGGTAGAAAATTATCCAGATGA[AT>A]TTACAAAACTGTACCAGATCCCACAGACTGATATGGCTGGTAAGGATACGATTGATTTTT-3'